The following is an entry in ClinVar:

ClinVar aggregate classification (germline): Uncertain significance (1 of 4 stars; one submission).

Conditions:
Hepatic methionine adenosyltransferase deficiency. Also called: MAT I/III DEFICIENCY; Deficiency of methionine adenosyltransferase; Isolated Persistent Hypermethioninemia; Methionine adenosyltransferase deficiency. Identifiers: Orphanet 168598, MedGen C0268621, MeSH C564683, MONDO:0009607, OMIM 250850.

Allele frequency attached by ClinVar (database versions not stated): gnomAD exomes below 0.00001.
gnomAD v4.1: 1 of 1,614,204 alleles (0.000062%); no homozygotes.

Submission:

Labcorp Genetics (formerly Invitae), Labcorp
Classification: Uncertain significance for Hepatic methionine adenosyltransferase deficiency. Last evaluated: 2025-06-16. Review status: criteria provided, single submitter. Criteria: Invitae Variant Classification Sherloc (09022015). Collection method: clinical testing. Allele origin: germline.
Comment: This sequence change replaces aspartic acid, which is acidic and polar, with glycine, which is neutral and non-polar, at codon 85 of the MAT1A protein (p.Asp85Gly). This variant is present in population databases (no rsID available, gnomAD 0.01%). This variant has not been reported in the literature in individuals affected with MAT1A-related conditions. ClinVar contains an entry for this variant (Variation ID: 1037798). Invitae Evidence Modeling of protein sequence and biophysical properties (such as structural, functional, and spatial information, amino acid conservation, physicochemical variation, residue mobility, and thermodynamic stability) indicates that this missense variant is not expected to disrupt MAT1A protein function with a negative predictive value of 80%. In summary, the available evidence is currently insufficient to determine the role of this variant in disease. Therefore, it has been classified as a Variant of Uncertain Significance.

NM_000429.3(MAT1A):c.254A>G (p.Asp85Gly)

Gene: MAT1A (methionine adenosyltransferase 1A; minus strand). Cytogenetic location: 10q22.3.
Variant type: single nucleotide variant.
Coding change: c.254A>G on transcript NM_000429.3 (MANE Select); coding-DNA position 254, A replaced by G.
Protein change: p.Asp85Gly; replaces aspartic acid 85 with glycine.
Molecular consequence: missense variant.
Genome position (GRCh38, 1-based): chr10:80,283,954, T>C on the plus strand (A>G on the coding strand, the complement: MAT1A is on the minus strand). VCF-style: chr10-80283954-T-C. GRCh37 (hg19) VCF-style: chr10-82043710-T-C.
Other names: short protein forms D85G.
Identifiers: ClinVar variation 1037798 (VCV001037798.9), dbSNP rs1475134771, ClinGen allele CA377363480.